The following is an entry in ClinVar:

NM_000368.5(TSC1):c.798del (p.Thr267fs)

Gene: TSC1 (TSC complex subunit 1; minus strand). Cytogenetic location: 9q34.13.
Variant type: Deletion.
Coding change: c.798del on transcript NM_000368.5 (MANE Select); coding-DNA position 798, one base deleted (C; older notation c.798delC).
Protein change: p.Thr267fs; shifts the reading frame from threonine 267.
Molecular consequence: frameshift variant. On other transcripts: 5 prime UTR variant (5), non-coding transcript variant (5).
Genome position (GRCh38, 1-based): chr9:132,912,397, G deleted on the plus strand (C on the coding strand, the reverse complement: TSC1 is on the minus strand); the first of 3 consecutive G bases (chr9:132,912,397-132,912,399); deleting any one gives the same sequence. VCF-style (leftmost placement, unchanged base first): chr9-132912396-TG-T. GRCh37 (hg19) VCF-style: chr9-135787783-TG-T.
Other names: c.798del, p.Thr267fs (NM_001162426.2, NM_001406592.1, NM_001406593.1 and 16 more transcripts); c.645del, p.Thr216fs (NM_001162427.2, NM_001406610.1, NM_001406611.1 and 2 more transcripts); c.435del, p.Thr146fs (NM_001362177.2, NM_001406614.1, NM_001406615.1 and 10 more transcripts); c.-154del (NM_001406626.1, NM_001406627.1, NM_001406628.1); c.-296del (NM_001406629.1, NM_001406630.1); short protein forms T146fs, T267fs, T216fs.
Identifiers: ClinVar variation 2850421 (VCV002850421.3), dbSNP rs2538894343, ClinGen allele CA2739264829.
Genomic context (GRCh38, chr9:132,912,396, plus strand): 5'-GAGGAAAGCGGGCTGAGATTTGGTGAGACACAGAATAGCCATCTTCATATGAGGCTTCTG[TG>T]GGATCCAGAGAGATTTTGGCACACTCGATCACAACATCATGAGTTTCTAATCTCTTCCAC-3'

ClinVar aggregate classification (germline): Pathogenic (1 of 4 stars; one submission).

Conditions:
Tuberous sclerosis 1 (TSC1). Identifiers: Orphanet 805, MedGen C1854465, MONDO:0008612, OMIM 191100.

Submission:

Labcorp Genetics (formerly Invitae), Labcorp
Classification: Pathogenic for Tuberous sclerosis 1. Last evaluated: 2023-03-28. Review status: criteria provided, single submitter. Criteria: Invitae Variant Classification Sherloc (09022015). Collection method: clinical testing. Allele origin: germline.
Comment: This sequence change creates a premature translational stop signal (p.Thr267Glnfs*51) in the TSC1 gene. It is expected to result in an absent or disrupted protein product. Loss-of-function variants in TSC1 are known to be pathogenic (PMID: 10227394, 17304050). This variant is not present in population databases (gnomAD no frequency). This variant has not been reported in the literature in individuals affected with TSC1-related conditions. For these reasons, this variant has been classified as Pathogenic.

Literature cited by the submitters: PubMed 10227394; PubMed 17304050.